The following is an entry in ClinVar:

ClinVar aggregate classification (germline): Likely benign (1 of 4 stars; one submission).

Allele frequency attached by ClinVar (database versions not stated): gnomAD 0.00001.

Submission:

CeGaT Center for Human Genetics Tuebingen
Classification: Likely benign. Last evaluated: 2024-10-01. Review status: criteria provided, single submitter. Criteria: CeGaT Center For Human Genetics Tuebingen Variant Classification Criteria Version 2. Collection method: clinical testing. Allele origin: germline. Affected: yes. Observed: 3 variant alleles.
Comment: MUC4: BP4, BP7

NM_018406.7(MUC4):c.11979A>G (p.Val3993=)

Gene: MUC4 (mucin 4, cell surface associated). Cytogenetic location: 3q29.
Variant type: single nucleotide variant.
Coding change: c.11979A>G on transcript NM_018406.7 (MANE Select); coding-DNA position 11979, A replaced by G.
Protein change: p.Val3993=; no amino-acid change (valine 3993 retained).
Molecular consequence: synonymous variant. On other transcripts: genic upstream transcript variant (2).
Genome position (GRCh38, 1-based): chr3:195,779,601, T>C on the plus strand (A>G on the coding strand, the complement: MUC4 is on the minus strand). VCF-style: chr3-195779601-T-C. GRCh37 (hg19) VCF-style: chr3-195506472-T-C.
Other names: c.17277A>G, p.Ala5759= (NM_001322468.1); c.83-5296A>G (NM_138297.5); c.83-1146A>G (NM_004532.6).
Identifiers: ClinVar variation 2654399 (VCV002654399.24), dbSNP rs539240288, ClinGen allele CA438035600.